The following is an entry in ClinVar:

ClinVar aggregate classification (germline): Uncertain significance (1 of 4 stars; one submission).

Conditions:
Pulmonary hypertension, primary, 4. Identifiers: Orphanet 422, MedGen C3809198, MONDO:0014136, OMIM 615344.

Submission:

Labcorp Genetics (formerly Invitae), Labcorp
Classification: Uncertain significance for Pulmonary hypertension, primary, 4. Last evaluated: 2025-03-20. Review status: criteria provided, single submitter. Criteria: Invitae Variant Classification Sherloc (09022015). Collection method: clinical testing. Allele origin: germline.
Comment: This sequence change replaces serine, which is neutral and polar, with leucine, which is neutral and non-polar, at codon 311 of the KCNK3 protein (p.Ser311Leu). This variant is not present in population databases (gnomAD no frequency). This variant has not been reported in the literature in individuals affected with KCNK3-related conditions. Invitae Evidence Modeling of protein sequence and biophysical properties (such as structural, functional, and spatial information, amino acid conservation, physicochemical variation, residue mobility, and thermodynamic stability) indicates that this missense variant is expected to disrupt KCNK3 protein function with a positive predictive value of 80%. In summary, the available evidence is currently insufficient to determine the role of this variant in disease. Therefore, it has been classified as a Variant of Uncertain Significance.

NM_002246.3(KCNK3):c.932C>T (p.Ser311Leu)

Gene: KCNK3 (potassium two pore domain channel subfamily K member 3; plus strand). Cytogenetic location: 2p23.3.
Variant type: single nucleotide variant.
Coding change: c.932C>T on transcript NM_002246.3 (MANE Select); coding-DNA position 932, C replaced by T.
Protein change: p.Ser311Leu; replaces serine 311 with leucine.
Molecular consequence: missense variant.
Genome position (GRCh38, 1-based): chr2:26,728,315, C>T. VCF-style: chr2-26728315-C-T. GRCh37 (hg19) VCF-style: chr2-26951183-C-T.
Other names: short protein forms S311L.
Identifiers: ClinVar variation 4772213 (VCV004772213.1).